The following is an entry in ClinVar:

ClinVar aggregate classification (germline): Uncertain significance (1 of 4 stars; one submission).

Submission:

Labcorp Genetics (formerly Invitae), Labcorp
Classification: Uncertain significance. Last evaluated: 2024-02-20. Review status: criteria provided, single submitter. Criteria: Invitae Variant Classification Sherloc (09022015). Collection method: clinical testing. Allele origin: germline.
Comment: This sequence change replaces aspartic acid, which is acidic and polar, with glycine, which is neutral and non-polar, at codon 240 of the DVL3 protein (p.Asp240Gly). This variant is not present in population databases (gnomAD no frequency). This variant has not been reported in the literature in individuals affected with DVL3-related conditions. Advanced modeling of protein sequence and biophysical properties (such as structural, functional, and spatial information, amino acid conservation, physicochemical variation, residue mobility, and thermodynamic stability) performed at Invitae indicates that this missense variant is not expected to disrupt DVL3 protein function with a negative predictive value of 80%. In summary, the available evidence is currently insufficient to determine the role of this variant in disease. Therefore, it has been classified as a Variant of Uncertain Significance.

NM_004423.4(DVL3):c.719A>G (p.Asp240Gly)

Gene: DVL3 (dishevelled segment polarity protein 3; plus strand). Cytogenetic location: 3q27.1.
Variant type: single nucleotide variant.
Coding change: c.719A>G on transcript NM_004423.4 (MANE Select); coding-DNA position 719, A replaced by G.
Protein change: p.Asp240Gly; replaces aspartic acid 240 with glycine.
Molecular consequence: missense variant.
Genome position (GRCh38, 1-based): chr3:184,165,447, A>G. VCF-style: chr3-184165447-A-G. GRCh37 (hg19) VCF-style: chr3-183883235-A-G.
Other names: short protein forms D240G.
Identifiers: ClinVar variation 3642137 (VCV003642137.2).
Genomic context (GRCh38, chr3:184,165,447, plus strand): 5'-CTCCACCTGCTGCTCAGGGCCTCTGTCTATTCCAGTCCTCGTCCTTCAGCAGCATCACGG[A>G]CTCCACCATGTCACTCAACATCATCACGGTCACTCTCAACATGGGTGAGTCTGAGGAAAC-3'
Protein context (NP_004414.3, residues 230-250): ERSSSFSSIT[Asp240Gly]STMSLNIITV